The following is an entry in ClinVar:

ClinVar aggregate classification (germline): Uncertain significance (1 of 4 stars; one submission).

Allele frequency attached by ClinVar (database versions not stated): gnomAD exomes below 0.00001.
gnomAD v4.1: 1 of 1,612,222 alleles (0.000062%); highest among the groups gnomAD compares: African/African-American, 0.0013%; no homozygotes.

Submission:

Labcorp Genetics (formerly Invitae), Labcorp
Classification: Uncertain significance. Last evaluated: 2023-09-11. Review status: criteria provided, single submitter. Criteria: Invitae Variant Classification Sherloc (09022015). Collection method: clinical testing. Allele origin: germline.
Comment: This sequence change falls in intron 15 of the ACACA gene. It does not directly change the encoded amino acid sequence of the ACACA protein. It affects a nucleotide within the consensus splice site. This variant is not present in population databases (gnomAD no frequency). This variant has not been reported in the literature in individuals affected with ACACA-related conditions. Variants that disrupt the consensus splice site are a relatively common cause of aberrant splicing (PMID: 17576681, 9536098). Algorithms developed to predict the effect of sequence changes on RNA splicing suggest that this variant is not likely to affect RNA splicing. In summary, the available evidence is currently insufficient to determine the role of this variant in disease. Therefore, it has been classified as a Variant of Uncertain Significance.

Literature cited by the submitters: PubMed 17576681; PubMed 9536098.

NM_198834.3(ACACA):c.1329+3A>G

Gene: ACACA (acetyl-CoA carboxylase alpha; minus strand). Cytogenetic location: 17q12.
Variant type: single nucleotide variant.
Coding change: c.1329+3A>G on transcript NM_198834.3 (MANE Select); 3 bases into the intron after coding-DNA position 1329, A replaced by G.
Molecular consequence: intron variant.
Genome position (GRCh38, 1-based): chr17:37,263,682, T>C on the plus strand (A>G on the coding strand, the complement: ACACA is on the minus strand). VCF-style: chr17-37263682-T-C. GRCh37 (hg19) VCF-style: chr17-35620585-T-C.
Other names: c.1218+3A>G (NM_198839.3, NM_198836.3); c.1044+3A>G (NM_198837.2); c.984+3A>G (NM_198838.2).
Identifiers: ClinVar variation 2760139 (VCV002760139.3), dbSNP rs1567905512, ClinGen allele CA2258315592.